The following is an entry in ClinVar:

ClinVar aggregate classification (germline): Uncertain significance (1 of 4 stars; one submission).

Allele frequency attached by ClinVar (database versions not stated): ExAC 0.00001; gnomAD exomes 0.00001 and 0.00002; TOPMed 0.00001.
gnomAD v4.1: 14 of 1,602,026 alleles (0.00087%); highest among the groups gnomAD compares: South Asian, 0.0055%; no homozygotes.

Submission:

Labcorp Genetics (formerly Invitae), Labcorp
Classification: Uncertain significance. Last evaluated: 2021-11-10. Review status: criteria provided, single submitter. Criteria: Invitae Variant Classification Sherloc (09022015). Collection method: clinical testing. Allele origin: germline.
Comment: This sequence change replaces arginine, which is basic and polar, with glutamine, which is neutral and polar, at codon 412 of the NPR3 protein (p.Arg412Gln). This variant is present in population databases (rs759661124, gnomAD 0.01%). This variant has not been reported in the literature in individuals affected with NPR3-related conditions. Algorithms developed to predict the effect of missense changes on protein structure and function (SIFT, PolyPhen-2, Align-GVGD) all suggest that this variant is likely to be disruptive. In summary, the available evidence is currently insufficient to determine the role of this variant in disease. Therefore, it has been classified as a Variant of Uncertain Significance.

NM_001204375.2(NPR3):c.1235G>A (p.Arg412Gln)

Gene: NPR3 (natriuretic peptide receptor 3; plus strand). Cytogenetic location: 5p13.3.
Variant type: single nucleotide variant.
Coding change: c.1235G>A on transcript NM_001204375.2 (MANE Select); coding-DNA position 1235, G replaced by A.
Protein change: p.Arg412Gln; replaces arginine 412 with glutamine.
Molecular consequence: missense variant.
Genome position (GRCh38, 1-based): chr5:32,780,761, G>A. VCF-style: chr5-32780761-G-A. GRCh37 (hg19) VCF-style: chr5-32780867-G-A.
Other names: c.1235G>A, p.Arg412Gln (NM_000908.4); c.587G>A, p.Arg196Gln (NM_001204376.2, NM_001363652.2); c.515G>A, p.Arg172Gln (NM_001364458.2); c.464G>A, p.Arg155Gln (NM_001364460.2); short protein forms R196Q, R172Q, R412Q, R155Q.
Identifiers: ClinVar variation 1504138 (VCV001504138.3), dbSNP rs759661124, ClinGen allele CA3222602.